The following is an entry in ClinVar:

ClinVar aggregate classification (germline): Uncertain significance (1 of 4 stars; one submission).

Conditions:
Joubert syndrome. Also called: CEREBELLOPARENCHYMAL DISORDER IV; JOUBERT-BOLTSHAUSER SYNDROME; Familial aplasia of the vermis. Identifiers: Orphanet 475, MedGen C5979921, MONDO:0018772.

Allele frequency attached by ClinVar (database versions not stated): gnomAD exomes below 0.00001; TOPMed below 0.00001; gnomAD 0.00001.
gnomAD v4.1: 7 of 1,410,952 alleles (0.0005%); highest among the groups gnomAD compares: Admixed American, 0.0067%; no homozygotes.

Submission:

Labcorp Genetics (formerly Invitae), Labcorp
Classification: Uncertain significance for Joubert syndrome. Last evaluated: 2022-04-29. Review status: criteria provided, single submitter. Criteria: Invitae Variant Classification Sherloc (09022015). Collection method: clinical testing. Allele origin: germline.
Comment: The frequency data for this variant in the population databases is considered unreliable, as metrics indicate poor data quality at this position in the gnomAD database. This sequence change replaces alanine, which is neutral and non-polar, with valine, which is neutral and non-polar, at codon 30 of the INPP5E protein (p.Ala30Val). This variant has not been reported in the literature in individuals affected with INPP5E-related conditions. In summary, the available evidence is currently insufficient to determine the role of this variant in disease. Therefore, it has been classified as a Variant of Uncertain Significance. Advanced modeling of protein sequence and biophysical properties (such as structural, functional, and spatial information, amino acid conservation, physicochemical variation, residue mobility, and thermodynamic stability) performed at Invitae indicates that this missense variant is not expected to disrupt INPP5E protein function.

NM_019892.6(INPP5E):c.89C>T (p.Ala30Val)

Gene: INPP5E (inositol polyphosphate-5-phosphatase E; minus strand). Cytogenetic location: 9q34.3.
Variant type: single nucleotide variant.
Coding change: c.89C>T on transcript NM_019892.6 (MANE Select); coding-DNA position 89, C replaced by T.
Protein change: p.Ala30Val; replaces alanine 30 with valine.
Molecular consequence: missense variant.
Genome position (GRCh38, 1-based): chr9:136,439,331, G>A on the plus strand (C>T on the coding strand, the complement: INPP5E is on the minus strand). VCF-style: chr9-136439331-G-A. GRCh37 (hg19) VCF-style: chr9-139333783-G-A.
Other names: c.89C>T, p.Ala30Val (NM_001318502.2); short protein forms A30V.
Identifiers: ClinVar variation 1964941 (VCV001964941.4), dbSNP rs1440765888, ClinGen allele CA375571498.